The following is an entry in ClinVar:

NM_000390.4(CHM):c.218C>T (p.Pro73Leu)

Gene: CHM (CHM Rab escort protein; minus strand). Cytogenetic location: Xq21.2.
Variant type: single nucleotide variant.
Coding change: c.218C>T on transcript NM_000390.4 (MANE Select); coding-DNA position 218, C replaced by T.
Protein change: p.Pro73Leu; replaces proline 73 with leucine.
Molecular consequence: missense variant. On other transcripts: 5 prime UTR variant (4).
Genome position (GRCh38, 1-based): chrX:85,978,863, G>A on the plus strand (C>T on the coding strand, the complement: CHM is on the minus strand). VCF-style: chrX-85978863-G-A. GRCh37 (hg19) VCF-style: chrX-85233867-G-A.
Other names: c.218C>T, p.Pro73Leu (NM_001145414.4); c.-227C>T (NM_001320959.1, NM_001362517.1); c.-223C>T (NM_001362518.2, NM_001362519.1); short protein forms P73L.
Identifiers: ClinVar variation 1376730 (VCV001376730.8), dbSNP rs2147706622, ClinGen allele CA413788119.

ClinVar aggregate classification (germline): Uncertain significance (1 of 4 stars; one submission).

gnomAD v4.1: 1 of 1,206,249 alleles (0.000083%); highest among the groups gnomAD compares: Non-Finnish European, 0.00011%; no homozygotes.

Submission:

Labcorp Genetics (formerly Invitae), Labcorp
Classification: Uncertain significance. Last evaluated: 2022-11-15. Review status: criteria provided, single submitter. Criteria: Invitae Variant Classification Sherloc (09022015). Collection method: clinical testing. Allele origin: germline.
Comment: In summary, the available evidence is currently insufficient to determine the role of this variant in disease. Therefore, it has been classified as a Variant of Uncertain Significance. Advanced modeling of protein sequence and biophysical properties (such as structural, functional, and spatial information, amino acid conservation, physicochemical variation, residue mobility, and thermodynamic stability) performed at Invitae indicates that this missense variant is not expected to disrupt CHM protein function. ClinVar contains an entry for this variant (Variation ID: 1376730). This variant has not been reported in the literature in individuals affected with CHM-related conditions. This variant is not present in population databases (gnomAD no frequency). This sequence change replaces proline, which is neutral and non-polar, with leucine, which is neutral and non-polar, at codon 73 of the CHM protein (p.Pro73Leu).